The following is an entry in ClinVar:

ClinVar aggregate classification (germline): Conflicting classifications of pathogenicity. Review status: criteria provided, conflicting classifications (1 of 4 stars). 2 submissions from 2 submitters: Uncertain significance (1); Likely benign (1). Last evaluated 2025-10-11.

Conditions:
Hereditary cancer-predisposing syndrome. Also called: Hereditary Cancer Syndrome; Hereditary neoplastic syndrome; Tumor predisposition; Neoplastic Syndromes, Hereditary. Identifiers: Orphanet 140162, MedGen C0027672, MeSH D009386, MONDO:0015356.

Allele frequency attached by ClinVar (database versions not stated): TOPMed below 0.00001; gnomAD 0.00001.
gnomAD v4.1: 1 of 1,609,528 alleles (0.000062%); highest among the groups gnomAD compares: African/African-American, 0.0013%; no homozygotes.

Submissions (2):

Labcorp Genetics (formerly Invitae), Labcorp
Classification: Likely benign. Last evaluated: 2025-10-11. Review status: criteria provided, single submitter. Criteria: Invitae Variant Classification Sherloc (09022015). Collection method: clinical testing. Allele origin: germline.

Ambry Genetics
Classification: Uncertain significance for Hereditary cancer-predisposing syndrome. Last evaluated: 2024-03-01. Review status: criteria provided, single submitter. Criteria: Ambry Variant Classification Scheme 2023. Collection method: clinical testing. Allele origin: germline.
Comment: The c.516G>A variant (also known as p.L172L), located in coding exon 3 of the NTHL1 gene, results from a G to A substitution at nucleotide position 516. This nucleotide substitution does not change the amino acid at codon 172. This nucleotide position is well conserved in available vertebrate species. In silico splice site analysis for this alteration is inconclusive. Since supporting evidence is limited at this time, the clinical significance of this alteration remains unclear.

NM_002528.7(NTHL1):c.492G>A (p.Leu164=)

Gene: NTHL1 (nth like DNA glycosylase 1; minus strand). Cytogenetic location: 16p13.3.
Variant type: single nucleotide variant.
Coding change: c.492G>A on transcript NM_002528.7 (MANE Select); coding-DNA position 492, G replaced by A.
Protein change: p.Leu164=; no amino-acid change (leucine 164 retained).
Molecular consequence: synonymous variant. On other transcripts: intron variant (1).
Genome position (GRCh38, 1-based): chr16:2,044,663, C>T on the plus strand (G>A on the coding strand, the complement: NTHL1 is on the minus strand). VCF-style: chr16-2044663-C-T. GRCh37 (hg19) VCF-style: chr16-2094664-C-T.
Other names: c.162G>A, p.Leu54= (NM_001318194.2); c.355-937G>A (NM_001318193.2).
Identifiers: ClinVar variation 1080427 (VCV001080427.11), dbSNP rs1241018958, ClinGen allele CA492952759.